The following is an entry in ClinVar:

NM_178822.5(IGSF10):c.1108C>T (p.His370Tyr)

Gene: IGSF10 (immunoglobulin superfamily member 10; minus strand). Cytogenetic location: 3q25.1.
Variant type: single nucleotide variant.
Coding change: c.1108C>T on transcript NM_178822.5 (MANE Select); coding-DNA position 1108, C replaced by T.
Protein change: p.His370Tyr; replaces histidine 370 with tyrosine.
Molecular consequence: missense variant.
Genome position (GRCh38, 1-based): chr3:151,448,873, G>A on the plus strand (C>T on the coding strand, the complement: IGSF10 is on the minus strand). VCF-style: chr3-151448873-G-A. GRCh37 (hg19) VCF-style: chr3-151166661-G-A.
Other names: c.1108C>T, p.His370Tyr (NM_001385060.1, NM_001385061.1, NM_001385062.1 and 1 more transcripts); short protein forms H370Y.
Identifiers: ClinVar variation 4706242 (VCV004706242.1).

ClinVar aggregate classification (germline): Uncertain significance (1 of 4 stars; one submission).

gnomAD v4.1: 32 of 1,614,058 alleles (0.002%); highest among the groups gnomAD compares: South Asian, 0.033%; no homozygotes.

Submission:

Labcorp Genetics (formerly Invitae), Labcorp
Classification: Uncertain significance. Last evaluated: 2025-12-17. Review status: criteria provided, single submitter. Criteria: Invitae Variant Classification Sherloc (09022015). Collection method: clinical testing. Allele origin: germline.
Comment: This sequence change replaces histidine, which is basic and polar, with tyrosine, which is neutral and polar, at codon 370 of the IGSF10 protein (p.His370Tyr). This variant is present in population databases (rs754784658, gnomAD 0.02%). This variant has not been reported in the literature in individuals affected with IGSF10-related conditions. An algorithm developed to predict the effect of missense changes on protein structure and function (PolyPhen-2) suggests that this variant is likely to be disruptive. In summary, the available evidence is currently insufficient to determine the role of this variant in disease. Therefore, it has been classified as a Variant of Uncertain Significance.